The following is an entry in ClinVar:

NM_001458.5(FLNC):c.4195G>A (p.Asp1399Asn)

Gene: FLNC (filamin C; plus strand). Cytogenetic location: 7q32.1.
Variant type: single nucleotide variant.
Coding change: c.4195G>A on transcript NM_001458.5 (MANE Select); coding-DNA position 4195, G replaced by A.
Protein change: p.Asp1399Asn; replaces aspartic acid 1399 with asparagine.
Molecular consequence: missense variant.
Genome position (GRCh38, 1-based): chr7:128,846,812, G>A. VCF-style: chr7-128846812-G-A. GRCh37 (hg19) VCF-style: chr7-128486866-G-A.
Other names: c.4195G>A, p.Asp1399Asn (NM_001127487.2); short protein forms D1399N.
Identifiers: ClinVar variation 4812417 (VCV004812417.1).

ClinVar aggregate classification (germline): Uncertain significance (1 of 4 stars; one submission).

Conditions:
Hypertrophic cardiomyopathy 26. Also called: Cardiomyopathy, familial hypertrophic, 26. Identifiers: Orphanet 75249, MedGen C4310749, MONDO:0014883, OMIM 617047.
Myofibrillar myopathy 5. Also called: Filaminopathy (type); FILAMINOPATHY, AUTOSOMAL DOMINANT. Identifiers: Orphanet 171445, MedGen C1836050, MONDO:0012289, OMIM 609524.
Distal myopathy with posterior leg and anterior hand involvement. Also called: WILLIAMS DISTAL MYOPATHY. Identifiers: Orphanet 63273, MedGen C3279722, MONDO:0013550, OMIM 614065.

Submission:

Labcorp Genetics (formerly Invitae), Labcorp
Classification: Uncertain significance for Distal myopathy with posterior leg and anterior hand involvement; Myofibrillar myopathy 5; Hypertrophic cardiomyopathy 26. Last evaluated: 2025-02-18. Review status: criteria provided, single submitter. Criteria: Invitae Variant Classification Sherloc (09022015). Collection method: clinical testing. Allele origin: germline.
Comment: This sequence change replaces aspartic acid, which is acidic and polar, with asparagine, which is neutral and polar, at codon 1399 of the FLNC protein (p.Asp1399Asn). This variant is not present in population databases (gnomAD no frequency). This variant has not been reported in the literature in individuals affected with FLNC-related conditions. Invitae Evidence Modeling of protein sequence and biophysical properties (such as structural, functional, and spatial information, amino acid conservation, physicochemical variation, residue mobility, and thermodynamic stability) has been performed for this missense variant. However, the output from this modeling did not meet the statistical confidence thresholds required to predict the impact of this variant on FLNC protein function. In summary, the available evidence is currently insufficient to determine the role of this variant in disease. Therefore, it has been classified as a Variant of Uncertain Significance.